The following is an entry in ClinVar:

NM_170601.5(SIAE):c.25G>C (p.Gly9Arg)

Gene: SIAE (sialic acid acetylesterase; minus strand). Cytogenetic location: 11q24.2.
Variant type: single nucleotide variant.
Coding change: c.25G>C on transcript NM_170601.5 (MANE Select); coding-DNA position 25, G replaced by C.
Protein change: p.Gly9Arg; replaces glycine 9 with arginine.
Molecular consequence: missense variant. On other transcripts: intron variant (1).
Genome position (GRCh38, 1-based): chr11:124,673,684, C>G on the plus strand (G>C on the coding strand, the complement: SIAE is on the minus strand). VCF-style: chr11-124673684-C-G. GRCh37 (hg19) VCF-style: chr11-124543580-C-G.
Other names: c.25G>C (NM_170601.4); c.-39+1574G>C (NM_001199922.2); short protein forms G9R.
Identifiers: ClinVar variation 1037514 (VCV001037514.8), dbSNP rs566616753, ClinGen allele CA230369191.

ClinVar aggregate classification (germline): Uncertain significance. Review status: criteria provided, multiple submitters, no conflicts (2 of 4 stars). 3 submissions from 3 submitters: Uncertain significance (3). Last evaluated 2026-01-11.

Conditions:
SIAE-related disorder. Also called: SIAE-related condition.

Allele frequency attached by ClinVar (database versions not stated): gnomAD exomes below 0.00001; TOPMed 0.00006; gnomAD 0.00008; 1000 Genomes Project 30x 0.00016.
gnomAD v4.1: 29 of 1,613,632 alleles (0.0018%); highest among the groups gnomAD compares: Admixed American, 0.012%; no homozygotes.

Submissions (3):

Labcorp Genetics (formerly Invitae), Labcorp
Classification: Uncertain significance. Last evaluated: 2026-01-11. Review status: criteria provided, single submitter. Criteria: Invitae Variant Classification Sherloc (09022015). Collection method: clinical testing. Allele origin: germline.
Comment: This sequence change replaces glycine, which is neutral and non-polar, with arginine, which is basic and polar, at codon 9 of the SIAE protein (p.Gly9Arg). This variant is present in population databases (no rsID available, gnomAD 0.007%). This variant has not been reported in the literature in individuals affected with SIAE-related conditions. ClinVar contains an entry for this variant (Variation ID: 1037514). An algorithm developed to predict the effect of missense changes on protein structure and function (PolyPhen-2) suggests that this variant is likely to be disruptive. In summary, the available evidence is currently insufficient to determine the role of this variant in disease. Therefore, it has been classified as a Variant of Uncertain Significance.

Ambry Genetics
Classification: Uncertain significance. Last evaluated: 2024-05-10. Review status: criteria provided, single submitter. Criteria: Ambry Variant Classification Scheme 2023. Collection method: clinical testing. Allele origin: germline.

PreventionGenetics, part of Exact Sciences
Classification: Uncertain significance for SIAE-related condition. Last evaluated: 2022-09-14. Review status: criteria provided, single submitter. Criteria: ACMG Guidelines, 2015. Collection method: clinical testing. Allele origin: germline.
Comment: The SIAE c.25G>C variant is predicted to result in the amino acid substitution p.Gly9Arg. To our knowledge, this variant has not been reported in the literature. This variant is reported in 0.0028% of alleles in individuals of Latino descent in gnomAD. At this time, the clinical significance of this variant is uncertain due to the absence of conclusive functional and genetic evidence.